The following is an entry in ClinVar:

NM_000368.5(TSC1):c.1195C>G (p.Pro399Ala)

Gene: TSC1 (TSC complex subunit 1; minus strand). Cytogenetic location: 9q34.13.
Variant type: single nucleotide variant.
Coding change: c.1195C>G on transcript NM_000368.5 (MANE Select); coding-DNA position 1195, C replaced by G.
Protein change: p.Pro399Ala; replaces proline 399 with alanine.
Molecular consequence: missense variant.
Genome position (GRCh38, 1-based): chr9:132,910,639, G>C on the plus strand (C>G on the coding strand, the complement: TSC1 is on the minus strand). VCF-style: chr9-132910639-G-C. GRCh37 (hg19) VCF-style: chr9-135786026-G-C.
Other names: c.1192C>G, p.Pro398Ala (NM_001162426.2); c.1042C>G, p.Pro348Ala (NM_001162427.2); c.832C>G, p.Pro278Ala (NM_001362177.2); short protein forms P399A, P278A, P398A, P348A.
Identifiers: ClinVar variation 411252 (VCV000411252.13), dbSNP rs1060503211, ClinGen allele CA16612585.

ClinVar aggregate classification (germline): Uncertain significance. Review status: criteria provided, multiple submitters, no conflicts (2 of 4 stars). 2 submissions from 2 submitters: Uncertain significance (2). Last evaluated 2024-06-13.

Conditions:
Tuberous sclerosis 1 (TSC1). Identifiers: Orphanet 805, MedGen C1854465, MONDO:0008612, OMIM 191100.
Hereditary cancer-predisposing syndrome. Also called: Hereditary neoplastic syndrome; Neoplastic Syndromes, Hereditary; Tumor predisposition; Hereditary Cancer Syndrome. Identifiers: Orphanet 140162, MedGen C0027672, MeSH D009386, MONDO:0015356.

Submissions (2):

Ambry Genetics
Classification: Uncertain significance for Hereditary cancer-predisposing syndrome. Last evaluated: 2024-06-13. Review status: criteria provided, single submitter. Criteria: Ambry Variant Classification Scheme 2023. Collection method: clinical testing. Allele origin: germline.
Comment: The p.P399A variant (also known as c.1195C>G), located in coding exon 10 of the TSC1 gene, results from a C to G substitution at nucleotide position 1195. The proline at codon 399 is replaced by alanine, an amino acid with highly similar properties. This amino acid position is highly conserved in available vertebrate species. In addition, this alteration is predicted to be tolerated by in silico analysis. Based on the available evidence, the clinical significance of this variant remains unclear.

Labcorp Genetics (formerly Invitae), Labcorp
Classification: Uncertain significance for Tuberous sclerosis 1. Last evaluated: 2024-05-06. Review status: criteria provided, single submitter. Criteria: Invitae Variant Classification Sherloc (09022015). Collection method: clinical testing. Allele origin: germline.
Comment: This sequence change replaces proline, which is neutral and non-polar, with alanine, which is neutral and non-polar, at codon 399 of the TSC1 protein (p.Pro399Ala). This variant is not present in population databases (gnomAD no frequency). This variant has not been reported in the literature in individuals affected with TSC1-related conditions. ClinVar contains an entry for this variant (Variation ID: 411252). Advanced modeling of protein sequence and biophysical properties (such as structural, functional, and spatial information, amino acid conservation, physicochemical variation, residue mobility, and thermodynamic stability) performed at Invitae indicates that this missense variant is not expected to disrupt TSC1 protein function with a negative predictive value of 95%. In summary, the available evidence is currently insufficient to determine the role of this variant in disease. Therefore, it has been classified as a Variant of Uncertain Significance.